The following is an entry in ClinVar:

NM_003072.5(SMARCA4):c.3865C>T (p.Pro1289Ser)

Gene: SMARCA4 (SWI/SNF related BAF chromatin remodeling complex subunit ATPase 4; plus strand). Cytogenetic location: 19p13.2.
Variant type: single nucleotide variant.
Coding change: c.3865C>T on transcript NM_003072.5 (MANE Select); coding-DNA position 3865, C replaced by T.
Protein change: p.Pro1289Ser; replaces proline 1289 with serine.
Molecular consequence: missense variant. On other transcripts: intron variant (5).
Genome position (GRCh38, 1-based): chr19:11,033,857, C>T. VCF-style: chr19-11033857-C-T. GRCh37 (hg19) VCF-style: chr19-11144533-C-T.
Other names: c.3865C>T, p.Pro1289Ser (NM_001128844.3, NM_001128849.3); c.3775-266C>T (NM_001128847.4, NM_001374457.1, NM_001128845.2 and 2 more transcripts); short protein forms P1289S.
Identifiers: ClinVar variation 935627 (VCV000935627.12), dbSNP rs1356762692, ClinGen allele CA404066857.

ClinVar aggregate classification (germline): Uncertain significance. Review status: criteria provided, multiple submitters, no conflicts (2 of 4 stars). 4 submissions from 4 submitters: Uncertain significance (4). Last evaluated 2025-11-28.

Conditions:
Rhabdoid tumor predisposition syndrome 2 (RTPS2). Identifiers: Orphanet 231108, Orphanet 69077, MedGen C2750074, MONDO:0013224, OMIM 613325.
Hereditary cancer-predisposing syndrome. Also called: Tumor predisposition; Hereditary neoplastic syndrome; Hereditary Cancer Syndrome; Neoplastic Syndromes, Hereditary. Identifiers: Orphanet 140162, MedGen C0027672, MeSH D009386, MONDO:0015356.

Allele frequency attached by ClinVar (database versions not stated): TOPMed below 0.00001.

Submissions (4):

Ambry Genetics
Classification: Uncertain significance for Hereditary cancer-predisposing syndrome. Last evaluated: 2025-11-28. Review status: criteria provided, single submitter. Criteria: Ambry Variant Classification Scheme 2023. Collection method: clinical testing. Allele origin: germline.
Comment: The p.P1289S variant (also known as c.3865C>T), located in coding exon 26 of the SMARCA4 gene, results from a C to T substitution at nucleotide position 3865. The proline at codon 1289 is replaced by serine, an amino acid with similar properties. This amino acid position is conserved. In addition, the in silico prediction for this alteration is inconclusive. Based on the available evidence, the clinical significance of this variant remains unclear.

Baylor Genetics
Classification: Uncertain significance for Rhabdoid tumor predisposition syndrome 2. Last evaluated: 2023-12-19. Review status: criteria provided, single submitter. Criteria: ACMG Guidelines, 2015. Collection method: clinical testing. Allele origin: unknown.

GeneDx
Classification: Uncertain significance. Last evaluated: 2023-07-18. Review status: criteria provided, single submitter. Criteria: GeneDx Variant Classification Process June 2021. Collection method: clinical testing. Allele origin: germline. Affected: yes.
Comment: Not observed at significant frequency in large population cohorts (gnomAD); In silico analysis supports that this missense variant does not alter protein structure/function; Has not been previously published as pathogenic or benign to our knowledge; This variant is associated with the following publications: (PMID: 24658002)

Labcorp Genetics (formerly Invitae), Labcorp
Classification: Uncertain significance for Rhabdoid tumor predisposition syndrome 2. Last evaluated: 2020-03-04. Review status: criteria provided, single submitter. Criteria: Invitae Variant Classification Sherloc (09022015). Collection method: clinical testing. Allele origin: germline.
Comment: In summary, the available evidence is currently insufficient to determine the role of this variant in disease. Therefore, it has been classified as a Variant of Uncertain Significance. Algorithms developed to predict the effect of missense changes on protein structure and function are either unavailable or do not agree on the potential impact of this missense change (SIFT: "Deleterious"; PolyPhen-2: "Benign"; Align-GVGD: "Class C0"). This variant has not been reported in the literature in individuals with SMARCA4-related conditions. This variant is not present in population databases (ExAC no frequency). This sequence change replaces proline with serine at codon 1289 of the SMARCA4 protein (p.Pro1289Ser). The proline residue is moderately conserved and there is a moderate physicochemical difference between proline and serine.